The following is an entry in ClinVar:

NM_014908.4(DOLK):c.1418_1419del (p.Thr472_Phe473insTer)

Gene: DOLK (dolichol kinase; minus strand). Cytogenetic location: 9q34.11.
Variant type: Deletion.
Coding change: c.1418_1419del on transcript NM_014908.4 (MANE Select); coding-DNA positions 1418 to 1419, 2 bases deleted (TT; older notation c.1418_1419delTT).
Protein change: p.Thr472_Phe473insTer.
Molecular consequence: nonsense. On other transcripts: frameshift variant (1).
Genome position (GRCh38, 1-based): chr9:128,945,885-128,945,886, AA deleted on the plus strand (TT on the coding strand, the reverse complement: DOLK is on the minus strand); deleting any 2 consecutive bases within chr9:128,945,885-128,945,888 gives the same sequence; the c. name uses the placement nearest the transcript's 3' end. VCF-style (leftmost placement, unchanged base first): chr9-128945884-CAA-C. GRCh37 (hg19) VCF-style: chr9-131708163-CAA-C.
Other names: c.1418_1419delTT (NM_014908.3).
Identifiers: ClinVar variation 3842084 (VCV003842084.1).

ClinVar aggregate classification (germline): Uncertain significance (1 of 4 stars; one submission).

Conditions:
Cardiovascular phenotype. Identifiers: MedGen CN230736.

Submission:

Ambry Genetics
Classification: Uncertain significance for Cardiovascular phenotype. Last evaluated: 2024-12-24. Review status: criteria provided, single submitter. Criteria: Ambry Variant Classification Scheme 2023. Collection method: clinical testing. Allele origin: germline.
Comment: The c.1418_1419delTT variant, located in coding exon 1 of the DOLK gene, results from a deletion of two nucleotides at nucleotide positions 1418 to 1419, causing a translational frameshift with a predicted alternate stop codon (p.F473*). This alteration occurs at the 3' terminus of theDOLK gene, is not expected to trigger nonsense-mediated mRNAdecay, and impacts the last 12% of the protein. The exact functional effect of this alteration is unknown. Based on the available evidence, the clinical significance of this variant remains unclear.